The following is an entry in ClinVar:

ClinVar aggregate classification (germline): Uncertain significance (1 of 4 stars; one submission).

Allele frequency attached by ClinVar (database versions not stated): gnomAD exomes 0.00001; gnomAD 0.00001.
gnomAD v4.1: 7 of 1,574,320 alleles (0.00044%); highest among the groups gnomAD compares: Admixed American, 0.0017%; no homozygotes.

Submission:

Labcorp Genetics (formerly Invitae), Labcorp
Classification: Uncertain significance. Last evaluated: 2022-09-01. Review status: criteria provided, single submitter. Criteria: Invitae Variant Classification Sherloc (09022015). Collection method: clinical testing. Allele origin: germline.
Comment: This sequence change replaces methionine, which is neutral and non-polar, with isoleucine, which is neutral and non-polar, at codon 355 of the EYS protein (p.Met355Ile). This variant is present in population databases (no rsID available, gnomAD 0.003%). This variant has not been reported in the literature in individuals affected with EYS-related conditions. ClinVar contains an entry for this variant (Variation ID: 1508056). Algorithms developed to predict the effect of missense changes on protein structure and function output the following: SIFT: "Tolerated"; PolyPhen-2: "Benign"; Align-GVGD: "Class C0". The isoleucine amino acid residue is found in multiple mammalian species, which suggests that this missense change does not adversely affect protein function. In summary, the available evidence is currently insufficient to determine the role of this variant in disease. Therefore, it has been classified as a Variant of Uncertain Significance.

NM_001142800.2(EYS):c.1065G>A (p.Met355Ile)

Gene: EYS (eyes shut homolog; minus strand). Cytogenetic location: 6q12.
Variant type: single nucleotide variant.
Coding change: c.1065G>A on transcript NM_001142800.2 (MANE Select); coding-DNA position 1065, G replaced by A.
Protein change: p.Met355Ile; replaces methionine 355 with isoleucine.
Molecular consequence: missense variant.
Genome position (GRCh38, 1-based): chr6:65,402,597, C>T on the plus strand (G>A on the coding strand, the complement: EYS is on the minus strand). VCF-style: chr6-65402597-C-T. GRCh37 (hg19) VCF-style: chr6-66112490-C-T.
Other names: c.1065G>A, p.Met355Ile (NM_001142801.2, NM_001292009.2, NM_198283.2); short protein forms M355I.
Identifiers: ClinVar variation 1508056 (VCV001508056.3), dbSNP rs1449183516, ClinGen allele CA364662515.